The following is an entry in ClinVar:

NM_000548.5(TSC2):c.1066G>A (p.Val356Met)

Gene: TSC2 (TSC complex subunit 2; plus strand). Cytogenetic location: 16p13.3.
Variant type: single nucleotide variant.
Coding change: c.1066G>A on transcript NM_000548.5 (MANE Select); coding-DNA position 1066, G replaced by A.
Protein change: p.Val356Met; replaces valine 356 with methionine.
Molecular consequence: missense variant. On other transcripts: 5 prime UTR variant (10), non-coding transcript variant (5).
Genome position (GRCh38, 1-based): chr16:2,060,760, G>A. VCF-style: chr16-2060760-G-A. GRCh37 (hg19) VCF-style: chr16-2110761-G-A.
Other names: c.1066G>A, p.Val356Met (NM_001077183.3, NM_001114382.3, NM_001363528.2 and 6 more transcripts); c.955G>A, p.Val319Met (NM_001318827.2, NM_001406670.1, NM_001406678.1); c.919G>A, p.Val307Met (NM_001318829.2, NM_001406675.1, NM_001406676.1 and 1 more transcripts); c.466G>A, p.Val156Met (NM_001318831.2, NM_001406680.1, NM_001406682.1 and 6 more transcripts); c.1099G>A, p.Val367Met (NM_001318832.2); c.1156G>A, p.Val386Met (NM_001406667.1, NM_001406668.1); c.1054G>A, p.Val352Met (NM_001406671.1, NM_001406673.1); c.1009G>A, p.Val337Met (NM_001406677.1); and 4 more; short protein forms V352M, V337M, V356M, V307M, V319M, V367M, V386M, V156M.
Identifiers: ClinVar variation 4557281 (VCV004557281.1).

ClinVar aggregate classification (germline): Uncertain significance (1 of 4 stars; one submission).

Conditions:
Hereditary cancer-predisposing syndrome. Also called: Tumor predisposition; Hereditary Cancer Syndrome; Hereditary neoplastic syndrome; Neoplastic Syndromes, Hereditary. Identifiers: Orphanet 140162, MedGen C0027672, MeSH D009386, MONDO:0015356.

Submission:

Ambry Genetics
Classification: Uncertain significance for Hereditary cancer-predisposing syndrome. Last evaluated: 2025-11-11. Review status: criteria provided, single submitter. Criteria: Ambry Variant Classification Scheme 2023. Collection method: clinical testing. Allele origin: germline.
Comment: The p.V356M variant (also known as c.1066G>A), located in coding exon 10 of the TSC2 gene, results from a G to A substitution at nucleotide position 1066. The valine at codon 356 is replaced by methionine, an amino acid with highly similar properties. This amino acid position is conserved. In addition, the in silico prediction for this alteration is inconclusive. Based on the available evidence, the clinical significance of this variant remains unclear.